The following is an entry in ClinVar:

ClinVar aggregate classification (germline): Uncertain significance (1 of 4 stars; one submission).

Conditions:
Ehlers-Danlos syndrome, classic type, 1 (EDSCL1). Also called: EHLERS-DANLOS SYNDROME, GRAVIS TYPE; EHLERS-DANLOS SYNDROME, SEVERE CLASSIC TYPE; Ehlers-Danlos syndrome, type 1; EDS I; Ehlers-Danlos Syndrome, Classic Type, COL5A1-Related. Identifiers: MedGen C0268335, MONDO:0019567, OMIM 130000.

Submission:

Labcorp Genetics (formerly Invitae), Labcorp
Classification: Uncertain significance for Ehlers-Danlos syndrome, classic type, 1. Last evaluated: 2022-04-01. Review status: criteria provided, single submitter. Criteria: Invitae Variant Classification Sherloc (09022015). Collection method: clinical testing. Allele origin: germline.
Comment: This sequence change falls in intron 26 of the COL5A1 gene. It does not directly change the encoded amino acid sequence of the COL5A1 protein. It affects a nucleotide within the consensus splice site. In summary, the available evidence is currently insufficient to determine the role of this variant in disease. Therefore, it has been classified as a Variant of Uncertain Significance. Variants that disrupt the consensus splice site are a relatively common cause of aberrant splicing (PMID: 17576681, 9536098). Algorithms developed to predict the effect of sequence changes on RNA splicing suggest that this variant may disrupt the consensus splice site. This variant has not been reported in the literature in individuals affected with COL5A1-related conditions. This variant is not present in population databases (gnomAD no frequency).

Literature cited by the submitters: PubMed 17576681; PubMed 9536098.

NM_000093.5(COL5A1):c.2331+4_2331+5dup

Gene: COL5A1 (collagen type V alpha 1 chain; plus strand). Cytogenetic location: 9q34.3.
Variant type: Duplication.
Coding change: c.2331+4_2331+5dup on transcript NM_000093.5 (MANE Select); bases 4 to 5 of the intron after coding-DNA position 2331, 2 bases duplicated (GG; older notation c.2331+4_2331+5dupGG).
Molecular consequence: intron variant.
Genome position (GRCh38, 1-based): chr9:134,772,838-134,772,839, GG duplicated; duplicating any 2 consecutive bases within chr9:134,772,837-134,772,839 gives the same sequence; the c. name uses the placement nearest the transcript's 3' end. VCF-style (leftmost placement, unchanged base first): chr9-134772836-T-TGG. GRCh37 (hg19) VCF-style: chr9-137664682-T-TGG.
Other names: c.2331+4_2331+5dup (NM_001278074.1).
Identifiers: ClinVar variation 2120365 (VCV002120365.4), dbSNP rs2490683585, ClinGen allele CA2580080005.